The following is an entry in ClinVar:

ClinVar aggregate classification (germline): Conflicting classifications of pathogenicity. Review status: criteria provided, conflicting classifications (1 of 4 stars). 5 submissions from 5 submitters: Uncertain significance (2); Likely benign (2). 1 of the submissions does not count toward it. Last evaluated 2025-10-01.

Conditions:
GALC-related disorder. Also called: GALC-related condition.
Inborn genetic diseases. Identifiers: MedGen C0950123, MeSH D030342.
Galactosylceramide beta-galactosidase deficiency. Also called: Leukodystrophy, Globoid Cell; Krabbe Disease; GALC DEFICIENCY; GLOBOID CELL LEUKOENCEPHALOPATHY; GALACTOCEREBROSIDASE DEFICIENCY. Identifiers: Orphanet 487, MedGen C0023521, MONDO:0009499, OMIM 245200.

Allele frequency attached by ClinVar (database versions not stated): ExAC 0.00009; 1000 Genomes Project 0.00020; TOPMed 0.00027; 1000 Genomes Project 30x 0.00031.
gnomAD v4.1: 76 of 1,587,562 alleles (0.0048%); highest among the groups gnomAD compares: African/African-American, 0.066%; no homozygotes.

Submissions (5):

Labcorp Genetics (formerly Invitae), Labcorp
Classification: Likely benign for Galactosylceramide beta-galactosidase deficiency. Last evaluated: 2025-10-01. Review status: criteria provided, single submitter. Criteria: Invitae Variant Classification Sherloc (09022015). Collection method: clinical testing. Allele origin: germline.

PreventionGenetics, part of Exact Sciences
Classification: Likely benign for GALC-related condition. Last evaluated: 2025-01-04. Review status: criteria provided, single submitter. Criteria: ACMG Guidelines, 2015. Collection method: clinical testing. Allele origin: germline.
Comment: This variant is classified as likely benign based on ACMG/AMP sequence variant interpretation guidelines (Richards et al. 2015 PMID: 25741868, with internal and published modifications).

Ambry Genetics
Classification: Uncertain significance for Inborn genetic diseases. Last evaluated: 2024-05-14. Review status: criteria provided, single submitter. Criteria: Ambry Variant Classification Scheme 2023. Collection method: clinical testing. Allele origin: germline.

Mayo Clinic Laboratories, Mayo Clinic
Classification: Uncertain significance. Last evaluated: 2022-02-25. Review status: criteria provided, single submitter. Criteria: ACMG Guidelines, 2015. Collection method: clinical testing. Allele origin: germline. Observed: 1 variant allele.
Comment: PM2

Natera, Inc.
Classification: Uncertain significance for Galactosylceramide beta-galactosidase deficiency. Last evaluated: 2020-04-18. Review status: no assertion criteria provided. Collection method: clinical testing. Allele origin: germline. Not counted in ClinVar's aggregate classification.

NM_000153.4(GALC):c.65G>A (p.Gly22Asp)

Gene: GALC (galactosylceramidase; minus strand). Cytogenetic location: 14q31.3.
Variant type: single nucleotide variant.
Coding change: c.65G>A on transcript NM_000153.4 (MANE Select); coding-DNA position 65, G replaced by A.
Protein change: p.Gly22Asp; replaces glycine 22 with aspartic acid.
Molecular consequence: missense variant. On other transcripts: intron variant (1).
Genome position (GRCh38, 1-based): chr14:87,993,100, C>T on the plus strand (G>A on the coding strand, the complement: GALC is on the minus strand). VCF-style: chr14-87993100-C-T. GRCh37 (hg19) VCF-style: chr14-88459444-C-T.
Other names: p.Gly22Asp; c.65G>A, p.Gly22Asp (NM_001201401.2); c.117+283G>A (NM_001201402.2); c.65G>A (NM_000153.3); short protein forms G22D.
Identifiers: ClinVar variation 990854 (VCV000990854.14), dbSNP rs372285275, ClinGen allele CA7297514.